The following is an entry in ClinVar:

ClinVar aggregate classification (germline): Uncertain significance. Review status: criteria provided, multiple submitters, no conflicts (2 of 4 stars). 4 submissions from 4 submitters: Uncertain significance (4). Last evaluated 2025-07-29.

Conditions:
Tuberous sclerosis 2 (TSC2). Identifiers: Orphanet 805, MedGen C1860707, MONDO:0013199, OMIM 613254.
Hereditary cancer-predisposing syndrome. Also called: Hereditary Cancer Syndrome; Tumor predisposition; Neoplastic Syndromes, Hereditary; Hereditary neoplastic syndrome. Identifiers: Orphanet 140162, MedGen C0027672, MeSH D009386, MONDO:0015356.

Submissions (4):

Victorian Clinical Genetics Services, Murdoch Childrens Research Institute
Classification: Uncertain significance for Tuberous sclerosis 2. Last evaluated: 2025-07-29. Review status: criteria provided, single submitter. Criteria: ACMG Guidelines, 2015. Collection method: clinical testing. Allele origin: germline. Affected: yes.
Comment: This variant is classified as VUS-3B. Evidence in support of pathogenic classification: Variant is absent from gnomAD (v2, v3 and v4). Additional information: Variant is predicted to result in a missense amino acid change from glycine to glutamic acid; This variant is heterozygous; This gene is associated with autosomal dominant disease; Alternative amino acid change(s) at the same position are present in gnomAD (v4: 2 heterozygote(s), 0 homozygote(s)). - Previous evidence of pathogenicity for this variant is inconclusive. This variant has been classified as a variant of uncertain significance by clinical laboratories in ClinVar; No published segregation evidence has been identified for this variant; No published functional evidence has been identified for this variant; Another missense variant comparable to the one identified in this case has inconclusive previous evidence for pathogenicity. p.(Gly1303Arg) has been classified as benign by a clinical laboratory in ClinVar, with no details or submission comments provided; Variant is not located in an established domain, motif, hotspot or informative constraint region; Missense variant with inconclusive in silico prediction and uninformative conservation; Loss of function is a known mechanism of disease in this gene and is associated with tuberous sclerosis-2 (MIM#613254); Variants in this gene are known to have variable expressivity. Clinical manifestations demonstrate great phenotypic variability, where even within families the clinical symptoms can vary significantly among individuals (PMID: 31018109); Inheritance information for this variant is not currently available in this individual.

St. Jude Molecular Pathology, St. Jude Children's Research Hospital
Classification: Uncertain significance for Tuberous sclerosis 2. Last evaluated: 2025-02-05. Review status: criteria provided, single submitter. Criteria: St. Jude Assertion Criteria 2020. Collection method: clinical testing. Allele origin: germline.
Comment: The TSC2 c.3908G>A (p.Gly1303Glu) missense change is absent in gnomAD v2.1.1. The in silico tool REVEL is inconclusive about a pathogenic or benign effect of this variant on protein function, and functional studies have not been performed. This variant has not been reported in individuals with tuberous sclerosis complex. In summary, the evidence currently available is insufficient to determine the clinical significance of this variant. It has therefore been classified as of uncertain significance.

Ambry Genetics
Classification: Uncertain significance for Hereditary cancer-predisposing syndrome. Last evaluated: 2024-01-12. Review status: criteria provided, single submitter. Criteria: Ambry Variant Classification Scheme 2023. Collection method: clinical testing. Allele origin: germline.
Comment: The p.G1303E variant (also known as c.3908G>A), located in coding exon 32 of the TSC2 gene, results from a G to A substitution at nucleotide position 3908. The glycine at codon 1303 is replaced by glutamic acid, an amino acid with similar properties. This amino acid position is conserved. In addition, this alteration is predicted to be deleterious by in silico analysis. Since supporting evidence is limited at this time, the clinical significance of this alteration remains unclear.

Labcorp Genetics (formerly Invitae), Labcorp
Classification: Uncertain significance for Tuberous sclerosis 2. Last evaluated: 2022-12-07. Review status: criteria provided, single submitter. Criteria: Invitae Variant Classification Sherloc (09022015). Collection method: clinical testing. Allele origin: germline.
Comment: In summary, the available evidence is currently insufficient to determine the role of this variant in disease. Therefore, it has been classified as a Variant of Uncertain Significance. Advanced modeling of protein sequence and biophysical properties (such as structural, functional, and spatial information, amino acid conservation, physicochemical variation, residue mobility, and thermodynamic stability) performed at Invitae indicates that this missense variant is not expected to disrupt TSC2 protein function. This variant has not been reported in the literature in individuals affected with TSC2-related conditions. This variant is not present in population databases (gnomAD no frequency). This sequence change replaces glycine, which is neutral and non-polar, with glutamic acid, which is acidic and polar, at codon 1303 of the TSC2 protein (p.Gly1303Glu).

Literature cited by the submitters: PubMed 31018109 (cited by Victorian Clinical Genetics Services, Murdoch Childrens Research Institute).

NM_000548.5(TSC2):c.3908G>A (p.Gly1303Glu)

Gene: TSC2 (TSC complex subunit 2; plus strand). Cytogenetic location: 16p13.3.
Variant type: single nucleotide variant.
Coding change: c.3908G>A on transcript NM_000548.5 (MANE Select); coding-DNA position 3908, G replaced by A.
Protein change: p.Gly1303Glu; replaces glycine 1303 with glutamic acid.
Molecular consequence: missense variant. On other transcripts: non-coding transcript variant (5).
Genome position (GRCh38, 1-based): chr16:2,083,719, G>A. VCF-style: chr16-2083719-G-A. GRCh37 (hg19) VCF-style: chr16-2133720-G-A.
Other names: c.3599G>A, p.Gly1200Glu (NM_001318827.2); c.3563G>A, p.Gly1188Glu (NM_001318829.2); c.3176G>A, p.Gly1059Glu (NM_001318831.2); c.3740G>A, p.Gly1247Glu (NM_001318832.2); c.3710G>A, p.Gly1237Glu (NM_001363528.2); c.3692G>A, p.Gly1231Glu (NM_001406675.1); c.3689G>A, p.Gly1230Glu (NM_001406676.1); c.3650G>A, p.Gly1217Glu (NM_001406677.1); and 26 more; short protein forms G1036E, G1059E, G1103E, G1231E, G1233E, G1247E, G1260E, G1277E.
Identifiers: ClinVar variation 2903047 (VCV002903047.9), dbSNP rs2151510757, ClinGen allele CA394296989.